The following is an entry in ClinVar:

NM_001081.4(CUBN):c.6272-4G>A

Gene: CUBN (cubilin; minus strand). Cytogenetic location: 10p13.
Variant type: single nucleotide variant.
Coding change: c.6272-4G>A on transcript NM_001081.4 (MANE Select); 4 bases into the intron before coding-DNA position 6272, G replaced by A.
Molecular consequence: intron variant.
Genome position (GRCh38, 1-based): chr10:16,925,778, C>T on the plus strand (G>A on the coding strand, the complement: CUBN is on the minus strand). VCF-style: chr10-16925778-C-T. GRCh37 (hg19) VCF-style: chr10-16967777-C-T.
Identifiers: ClinVar variation 3054023 (VCV003054023.2), dbSNP rs2131582721, ClinGen allele CA645558216.
Genomic context (GRCh38, chr10:16,925,778, plus strand): 5'-CTGGATACTTGGGGGACGTGATGATCCCTCTGTCTGCATGCAAATATCCACCGCAGCCTT[C>T]CCACAAAGAAACAAAGGTCGGTTATTTAAATAGCATTGGCAACTGGATTTTTATGCTTTC-3'

ClinVar aggregate classification (germline): Likely benign (0 of 4 stars; one submission).

Conditions:
CUBN-related disorder. Also called: CUBN-related condition.

Allele frequency attached by ClinVar (database versions not stated): gnomAD exomes below 0.00001.
gnomAD v4.1: 1 of 1,613,672 alleles (0.000062%); highest among the groups gnomAD compares: Non-Finnish European, 0.000085%; no homozygotes.

Submission:

PreventionGenetics, part of Exact Sciences
Classification: Likely benign for CUBN-related condition. Last evaluated: 2022-10-24. Review status: no assertion criteria provided. Collection method: clinical testing. Allele origin: germline.
Comment: This variant is classified as likely benign based on ACMG/AMP sequence variant interpretation guidelines (Richards et al. 2015 PMID: 25741868, with internal and published modifications).